The following is an entry in ClinVar:

NM_022089.4(ATP13A2):c.2417C>T (p.Pro806Leu)

Gene: ATP13A2 (ATPase cation transporting 13A2; minus strand). Cytogenetic location: 1p36.13.
Variant type: single nucleotide variant.
Coding change: c.2417C>T on transcript NM_022089.4 (MANE Select); coding-DNA position 2417, C replaced by T.
Protein change: p.Pro806Leu; replaces proline 806 with leucine.
Molecular consequence: missense variant. On other transcripts: intron variant (1).
Genome position (GRCh38, 1-based): chr1:16,989,999, G>A on the plus strand (C>T on the coding strand, the complement: ATP13A2 is on the minus strand). VCF-style: chr1-16989999-G-A. GRCh37 (hg19) VCF-style: chr1-17316494-G-A.
Other names: c.2402C>T, p.Pro801Leu (NM_001141973.3); c.2397+128C>T (NM_001141974.3); short protein forms P801L, P806L.
Identifiers: ClinVar variation 1381352 (VCV001381352.6), dbSNP rs2100727013, ClinGen allele CA338240883.

ClinVar aggregate classification (germline): Uncertain significance (1 of 4 stars; one submission).

Conditions:
Kufor-Rakeb syndrome (KRS). Also called: PARKINSON DISEASE 9, AUTOSOMAL RECESSIVE, JUVENILE-ONSET. Identifiers: Orphanet 306674, Orphanet 314632, MedGen C1847640, MONDO:0011706, OMIM 606693.
Autosomal recessive spastic paraplegia type 78. Identifiers: Orphanet 513436, MedGen C5567893, MONDO:0014975, OMIM 617225.

Submission:

Labcorp Genetics (formerly Invitae), Labcorp
Classification: Uncertain significance for Kufor-Rakeb syndrome; Autosomal recessive spastic paraplegia type 78. Last evaluated: 2021-09-15. Review status: criteria provided, single submitter. Criteria: Invitae Variant Classification Sherloc (09022015). Collection method: clinical testing. Allele origin: germline.
Comment: This variant has not been reported in the literature in individuals affected with ATP13A2-related conditions. Advanced modeling of protein sequence and biophysical properties (such as structural, functional, and spatial information, amino acid conservation, physicochemical variation, residue mobility, and thermodynamic stability) performed at Invitae indicates that this missense variant is not expected to disrupt ATP13A2 protein function. This variant is not present in population databases (ExAC no frequency). This sequence change replaces proline with leucine at codon 806 of the ATP13A2 protein (p.Pro806Leu). The proline residue is weakly conserved and there is a moderate physicochemical difference between proline and leucine. In summary, the available evidence is currently insufficient to determine the role of this variant in disease. Therefore, it has been classified as a Variant of Uncertain Significance.